The following is an entry in ClinVar:

ClinVar aggregate classification (germline): Benign. Review status: reviewed by expert panel (3 of 4 stars). 10 submissions from 10 submitters: Benign (1). 9 of the submissions do not count toward it. Last evaluated 2024-04-03.

Conditions:
Immunodeficiency 104. Also called: Severe combined immunodeficiency, autosomal recessive, T cell-negative, B cell-positive, NK cell-positive; Severe Combined Immune Deficiency, Autosomal Recessive, TCell -Negative, B Cell-Positive, NK Cell-Positive, IL7R-Related; SCID, AUTOSOMAL RECESSIVE, T CELL-NEGATIVE, B CELL-POSITIVE, NK CELL-POSITIVE; IMMUNODEFICIENCY 104, SEVERE COMBINED. Identifiers: MedGen C5676890, MONDO:0012163, OMIM 608971.

Allele frequency attached by ClinVar (database versions not stated): 1000 Genomes Project 0.00639; 1000 Genomes Project 30x 0.00718; TOPMed 0.01009; ESP Exome Variant Server 0.01261.
gnomAD v4.1: 23,664 of 1,614,118 alleles (1.5%); highest among the groups gnomAD compares: Non-Finnish European, 1.8%; 215 homozygotes.

Submissions (10):

ClinGen Severe Combined Immunodeficiency Variant Curation Expert Panel, ClinGen
Classification: Benign for Immunodeficiency 104. Last evaluated: 2024-04-03. Review status: reviewed by expert panel. Criteria: ClinGen SCID ACMG Specifications IL7R V1.0.0. Collection method: curation. Allele origin: germline. Inheritance: Autosomal recessive inheritance.
Comment: The c.1043A>C (NM_002185.5) variant in IL7R is a missense variant predicted to cause substitution of Asparagine by Threonine at amino acid 348 (p.Asn348Thr). The filtering allele frequency (the lower threshold of the 95% CI of 20801/1179968 alleles) of the c.1043A>C variant in IL7R is 0.01743 for European (non-Finnish) chromosomes by gnomAD v4, which is higher than the ClinGen SCID VCEP threshold (>0.00566) for BA1, and therefore meets this criterion (BA1). Additionally, 215 adult homozygous occurrences are described in gnomAD (BS2_Supporting). In summary, this variant meets the criteria to be classified as Benign for autosomal recessive SCID based on the ACMG/AMP criteria applied, as specified by the ClinGen SCID VCEP: BA1 and BS2_Supporting. (VCEP specifications version 1)

Labcorp Genetics (formerly Invitae), Labcorp
Classification: Benign for Immunodeficiency 104. Last evaluated: 2026-02-04. Review status: criteria provided, single submitter. Criteria: Invitae Variant Classification Sherloc (09022015). Collection method: clinical testing. Allele origin: germline. Not counted in ClinVar's aggregate classification.

Women's Health and Genetics/Laboratory Corporation of America, LabCorp
Classification: Likely benign. Last evaluated: 2026-01-23. Review status: criteria provided, single submitter. Criteria: LabCorp Variant Classification Summary - May 2015. Collection method: clinical testing. Allele origin: germline. Not counted in ClinVar's aggregate classification.

Mayo Clinic Laboratories, Mayo Clinic
Classification: Benign. Last evaluated: 2024-07-02. Review status: criteria provided, single submitter. Criteria: ACMG Guidelines, 2015. Collection method: clinical testing. Allele origin: germline. Observed: 7 variant alleles. Not counted in ClinVar's aggregate classification.
Comment: BS1, BS2, BP4

Illumina Laboratory Services, Illumina
Classification: Benign for Immunodeficiency 104. Last evaluated: 2018-01-12. Review status: criteria provided, single submitter. Criteria: ICSL Variant Classification Criteria 13 December 2019. Collection method: clinical testing. Allele origin: germline. Not counted in ClinVar's aggregate classification.
Comment: This variant was observed in the ICSL laboratory as part of a predisposition screen in an ostensibly healthy population. It had not been previously curated by ICSL or reported in the Human Gene Mutation Database (HGMD: prior to June 1st, 2018), and was therefore a candidate for classification through an automated scoring system. Utilizing variant allele frequency, disease prevalence and penetrance estimates, and inheritance mode, an automated score was calculated to assess if this variant is too frequent to cause the disease. Based on the score and internal cut-off values, a variant classified as benign is not then subjected to further curation. The score for this variant resulted in a classification of benign for this disease.

GeneDx
Classification: Benign. Last evaluated: 2015-03-03. Review status: criteria provided, single submitter. Criteria: GeneDx Variant Classification Process June 2021. Collection method: clinical testing. Allele origin: germline. Affected: yes. Not counted in ClinVar's aggregate classification.

Breakthrough Genomics
Classification: Benign. Review status: criteria provided, single submitter. Criteria: ACMG Guidelines, 2015. Collection method: not provided. Allele origin: germline. Inheritance: Autosomal recessive inheritance. Affected: yes. Not counted in ClinVar's aggregate classification.

ITMI
No classification provided. Condition: AllHighlyPenetrant. Last evaluated: 2013-09-19. Review status: no classification provided. Collection method: reference population. Allele origin: germline. Not counted in ClinVar's aggregate classification.
Comment: Please see associated publication for description of ethnicities

Genome Diagnostics Laboratory, University Medical Center Utrecht
Classification: Benign. Review status: no assertion criteria provided. Collection method: clinical testing. Allele origin: germline. Affected: yes. Study: VKGL Data-share Consensus. Not counted in ClinVar's aggregate classification.

Laboratory of Diagnostic Genome Analysis, Leiden University Medical Center (LUMC)
Classification: Likely benign. Review status: no assertion criteria provided. Collection method: clinical testing. Allele origin: germline. Affected: yes. Study: VKGL Data-share Consensus. Not counted in ClinVar's aggregate classification.

Literature cited by the submitters: PubMed 24728327 (cited by ITMI).

NM_002185.5(IL7R):c.1043A>C (p.Asn348Thr)

Gene: IL7R (interleukin 7 receptor; plus strand). Cytogenetic location: 5p13.2.
Variant type: single nucleotide variant.
Coding change: c.1043A>C on transcript NM_002185.5 (MANE Select); coding-DNA position 1043, A replaced by C.
Protein change: p.Asn348Thr; replaces asparagine 348 with threonine.
Molecular consequence: missense variant. On other transcripts: non-coding transcript variant (1).
Genome position (GRCh38, 1-based): chr5:35,876,149, A>C. VCF-style: chr5-35876149-A-C. GRCh37 (hg19) VCF-style: chr5-35876251-A-C.
Other names: NM_002185.5(IL7R):c.1043A>C; p.Asn348Thr; short protein forms N348T.
Identifiers: ClinVar variation 134532 (VCV000134532.22), dbSNP rs41270321, ClinGen allele CA160111.